The following is an entry in ClinVar:

ClinVar aggregate classification (germline): Uncertain significance. Review status: criteria provided, single submitter (1 of 4 stars). 2 submissions from 2 submitters: Uncertain significance (1). 1 of the submissions does not count toward it. Last evaluated 2024-02-23.

Conditions:
GRIA3-related disorder. Also called: GRIA3-related condition.

Allele frequency attached by ClinVar (database versions not stated): gnomAD exomes below 0.00001 and 0.00001; ExAC 0.00001.
gnomAD v4.1: 2 of 1,178,711 alleles (0.00017%); highest among the groups gnomAD compares: East Asian, 0.003%; no homozygotes.

Submissions (2):

Labcorp Genetics (formerly Invitae), Labcorp
Classification: Uncertain significance. Last evaluated: 2024-02-23. Review status: criteria provided, single submitter. Criteria: Invitae Variant Classification Sherloc (09022015). Collection method: clinical testing. Allele origin: germline.
Comment: This sequence change replaces arginine, which is basic and polar, with cysteine, which is neutral and slightly polar, at codon 591 of the GRIA3 protein (p.Arg591Cys). This variant is present in population databases (rs745735950, gnomAD 0.008%). This variant has not been reported in the literature in individuals affected with GRIA3-related conditions. ClinVar contains an entry for this variant (Variation ID: 1390168). Advanced modeling of protein sequence and biophysical properties (such as structural, functional, and spatial information, amino acid conservation, physicochemical variation, residue mobility, and thermodynamic stability) performed at Invitae indicates that this missense variant is not expected to disrupt GRIA3 protein function with a negative predictive value of 80%. In summary, the available evidence is currently insufficient to determine the role of this variant in disease. Therefore, it has been classified as a Variant of Uncertain Significance.

PreventionGenetics, part of Exact Sciences
Classification: Uncertain significance for GRIA3-related condition. Last evaluated: 2024-02-02. Review status: no assertion criteria provided. Collection method: clinical testing. Allele origin: germline. Not counted in ClinVar's aggregate classification.
Comment: The GRIA3 c.1771C>T variant is predicted to result in the amino acid substitution p.Arg591Cys. To our knowledge, this variant has not been reported in the literature. This variant is reported in 0.0078% of alleles in individuals of East Asian descent in gnomAD. At this time, the clinical significance of this variant is uncertain due to the absence of conclusive functional and genetic evidence.

NM_007325.5(GRIA3):c.1771C>T (p.Arg591Cys)

Gene: GRIA3 (glutamate ionotropic receptor AMPA type subunit 3; plus strand). Cytogenetic location: Xq25.
Variant type: single nucleotide variant.
Coding change: c.1771C>T on transcript NM_007325.5 (MANE Select); coding-DNA position 1771, C replaced by T.
Protein change: p.Arg591Cys; replaces arginine 591 with cysteine.
Molecular consequence: missense variant.
Genome position (GRCh38, 1-based): chrX:123,417,672, C>T. VCF-style: chrX-123417672-C-T. GRCh37 (hg19) VCF-style: chrX-122551523-C-T.
Other names: c.1771C>T (NM_000828.4); c.1771C>T, p.Arg591Cys (NM_000828.5); short protein forms R591C.
Identifiers: ClinVar variation 1390168 (VCV001390168.8), dbSNP rs745735950, ClinGen allele CA10507091.